The following is an entry in ClinVar:

ClinVar aggregate classification (germline): Uncertain significance. Review status: criteria provided, multiple submitters, no conflicts (2 of 4 stars). 2 submissions from 2 submitters: Uncertain significance (2). Last evaluated 2024-11-20.

Conditions:
Inborn genetic diseases. Identifiers: MedGen C0950123, MeSH D030342.

Allele frequency attached by ClinVar (database versions not stated): gnomAD 0.00004; gnomAD exomes 0.00001; TOPMed 0.00010.
gnomAD v4.1: 16 of 1,209,888 alleles (0.0013%); highest among the groups gnomAD compares: Admixed American, 0.0065%; no homozygotes.

Submissions (2):

Ambry Genetics
Classification: Uncertain significance for Inborn genetic diseases. Last evaluated: 2024-11-20. Review status: criteria provided, single submitter. Criteria: Ambry Variant Classification Scheme 2023. Collection method: clinical testing. Allele origin: germline.

Labcorp Genetics (formerly Invitae), Labcorp
Classification: Uncertain significance. Last evaluated: 2024-01-30. Review status: criteria provided, single submitter. Criteria: Invitae Variant Classification Sherloc (09022015). Collection method: clinical testing. Allele origin: germline.
Comment: This sequence change replaces serine, which is neutral and polar, with glycine, which is neutral and non-polar, at codon 221 of the RS1 protein (p.Ser221Gly). The frequency data for this variant in the population databases is considered unreliable, as metrics indicate poor data quality at this position in the gnomAD database. This variant has not been reported in the literature in individuals affected with RS1-related conditions. ClinVar contains an entry for this variant (Variation ID: 1404057). Advanced modeling of protein sequence and biophysical properties (such as structural, functional, and spatial information, amino acid conservation, physicochemical variation, residue mobility, and thermodynamic stability) performed at Invitae indicates that this missense variant is not expected to disrupt RS1 protein function with a negative predictive value of 95%. Algorithms developed to predict the effect of sequence changes on RNA splicing suggest that this variant may create or strengthen a splice site. In summary, the available evidence is currently insufficient to determine the role of this variant in disease. Therefore, it has been classified as a Variant of Uncertain Significance.

NM_000330.4(RS1):c.661A>G (p.Ser221Gly)

Genes: CDKL5 (cyclin dependent kinase like 5; plus strand), RS1 (retinoschisin 1; minus strand). Cytogenetic location: Xp22.13.
Variant type: single nucleotide variant.
Coding change: c.661A>G on transcript NM_000330.4 (MANE Select); coding-DNA position 661, A replaced by G.
Protein change: p.Ser221Gly; replaces serine 221 with glycine.
Molecular consequence: missense variant. On other transcripts: intron variant (2).
Genome position (GRCh38, 1-based): chrX:18,642,018, T>C on the plus strand (A>G on the coding strand, the complement: RS1 is on the minus strand). VCF-style: chrX-18642018-T-C. GRCh37 (hg19) VCF-style: chrX-18660138-T-C.
Other names: c.2714-3989T>C (NM_003159.3, NM_001037343.2); short protein forms S221G.
Identifiers: ClinVar variation 1404057 (VCV001404057.7), dbSNP rs1339570385, ClinGen allele CA412370034.
Genomic context (GRCh38, chrX:18,642,018, plus strand): 5'-GCTCTGTGCCAGTCACCCCCTGGCAGGCGCCGAGCTGAGGCAGGCATCAGGCACACTTGC[T>C]GACGCACTCCAGCAGCTCCATCCGGATGGCAATGCGGACGTGCCAGCCCAGCGGGATGAG-3'
Protein context (NP_000321.1, residues 211-224): AIRMELLECV[Ser221Gly]KCA